The following is an entry in ClinVar:

ClinVar aggregate classification (germline): Uncertain significance (1 of 4 stars; one submission).

Allele frequency attached by ClinVar (database versions not stated): TOPMed below 0.00001.
gnomAD v4.1: 6 of 1,614,066 alleles (0.00037%); highest among the groups gnomAD compares: African/African-American, 0.0027%; no homozygotes.

Submission:

Labcorp Genetics (formerly Invitae), Labcorp
Classification: Uncertain significance. Last evaluated: 2022-04-30. Review status: criteria provided, single submitter. Criteria: Invitae Variant Classification Sherloc (09022015). Collection method: clinical testing. Allele origin: germline.
Comment: In summary, the available evidence is currently insufficient to determine the role of this variant in disease. Therefore, it has been classified as a Variant of Uncertain Significance. Algorithms developed to predict the effect of missense changes on protein structure and function are either unavailable or do not agree on the potential impact of this missense change (SIFT: "Deleterious"; PolyPhen-2: "Possibly Damaging"; Align-GVGD: "Class C0"). This variant has not been reported in the literature in individuals affected with FAT2-related conditions. This variant is not present in population databases (gnomAD no frequency). This sequence change replaces isoleucine, which is neutral and non-polar, with phenylalanine, which is neutral and non-polar, at codon 787 of the FAT2 protein (p.Ile787Phe).

NM_001447.3(FAT2):c.2359A>T (p.Ile787Phe)

Gene: FAT2 (FAT atypical cadherin 2; minus strand). Cytogenetic location: 5q33.1.
Variant type: single nucleotide variant.
Coding change: c.2359A>T on transcript NM_001447.3 (MANE Select); coding-DNA position 2359, A replaced by T.
Protein change: p.Ile787Phe; replaces isoleucine 787 with phenylalanine.
Molecular consequence: missense variant.
Genome position (GRCh38, 1-based): chr5:151,566,573, T>A on the plus strand (A>T on the coding strand, the complement: FAT2 is on the minus strand). VCF-style: chr5-151566573-T-A. GRCh37 (hg19) VCF-style: chr5-150946134-T-A.
Other names: short protein forms I787F.
Identifiers: ClinVar variation 1941102 (VCV001941102.5), dbSNP rs768823935, ClinGen allele CA361852512.